The following is an entry in ClinVar:

ClinVar aggregate classification (germline): Conflicting classifications of pathogenicity. Review status: criteria provided, conflicting classifications (1 of 4 stars). 6 submissions from 6 submitters: Uncertain significance (5); Likely benign (1). Last evaluated 2026-01-05.

Conditions:
POLD1-related polyposis and colorectal cancer syndrome (CRCS10). Also called: COLORECTAL CANCER, SUSCEPTIBILITY TO, ON CHROMOSOME 19q; Colorectal cancer 10; Colorectal cancer, susceptibility to, 10. Identifiers: Orphanet 220460, MedGen C2675481, MONDO:0012953, OMIM 612591.
Hereditary cancer-predisposing syndrome. Also called: Hereditary Cancer Syndrome; Neoplastic Syndromes, Hereditary; Hereditary neoplastic syndrome; Tumor predisposition. Identifiers: Orphanet 140162, MedGen C0027672, MeSH D009386, MONDO:0015356.
POLD1-related disorder. Also called: POLD1-related condition; POLD1-related disorders.

Allele frequency attached by ClinVar (database versions not stated): gnomAD 0.00005; gnomAD exomes below 0.00001; TOPMed 0.00002.
gnomAD v4.1: 13 of 1,556,158 alleles (0.00084%); highest among the groups gnomAD compares: African/African-American, 0.015%; no homozygotes.

Submissions (6):

Labcorp Genetics (formerly Invitae), Labcorp
Classification: Uncertain significance for POLD1-related polyposis and colorectal cancer syndrome. Last evaluated: 2026-01-05. Review status: criteria provided, single submitter. Criteria: Invitae Variant Classification Sherloc (09022015). Collection method: clinical testing. Allele origin: germline.
Comment: This sequence change replaces glutamic acid, which is acidic and polar, with glutamine, which is neutral and polar, at codon 1035 of the POLD1 protein (p.Glu1035Gln). This variant is present in population databases (no rsID available, gnomAD 0.006%). This variant has not been reported in the literature in individuals affected with POLD1-related conditions. ClinVar contains an entry for this variant (Variation ID: 246168). Invitae Evidence Modeling of protein sequence and biophysical properties (such as structural, functional, and spatial information, amino acid conservation, physicochemical variation, residue mobility, and thermodynamic stability) indicates that this missense variant is not expected to disrupt POLD1 protein function with a negative predictive value of 80%. In summary, the available evidence is currently insufficient to determine the role of this variant in disease. Therefore, it has been classified as a Variant of Uncertain Significance.

Center for Genomic Medicine, Rigshospitalet, Copenhagen University Hospital
Classification: Uncertain significance. Last evaluated: 2025-03-04. Review status: criteria provided, single submitter. Criteria: ACMG Guidelines, 2015. Collection method: clinical testing. Allele origin: germline.

Ambry Genetics
Classification: Likely benign for Hereditary cancer-predisposing syndrome. Last evaluated: 2024-11-08. Review status: criteria provided, single submitter. Criteria: Ambry Variant Classification Scheme 2023. Collection method: clinical testing. Allele origin: germline.

GeneDx
Classification: Uncertain significance. Last evaluated: 2024-07-02. Review status: criteria provided, single submitter. Criteria: GeneDx Variant Classification Process June 2021. Collection method: clinical testing. Allele origin: germline. Affected: yes.
Comment: Not observed at significant frequency in large population cohorts (gnomAD); In silico analysis indicates that this missense variant does not alter protein structure/function; Has not been previously published as pathogenic or benign to our knowledge; This variant is associated with the following publications: (PMID: 19296856, 32041611)

PreventionGenetics, part of Exact Sciences
Classification: Uncertain significance for POLD1-related condition. Last evaluated: 2023-09-12. Review status: criteria provided, single submitter. Criteria: ACMG Guidelines, 2015. Collection method: clinical testing. Allele origin: germline.
Comment: The POLD1 c.3103G>C variant is predicted to result in the amino acid substitution p.Glu1035Gln. This variant was reported in an individual with lipodystrophy (Table S4, Dron. 2020. PubMed ID: 32041611). This variant is reported in 0.0056% of alleles in individuals of African descent in gnomAD, and is reported as uncertain in ClinVar. At this time, the clinical significance of this variant is uncertain due to the absence of conclusive functional and genetic evidence.

Quest Diagnostics Nichols Institute San Juan Capistrano
Classification: Uncertain significance. Last evaluated: 2020-02-24. Review status: criteria provided, single submitter. Criteria: Quest Diagnostics criteria. Collection method: clinical testing. Allele origin: unknown.

NM_002691.4(POLD1):c.3103G>C (p.Glu1035Gln)

Gene: POLD1 (DNA polymerase delta 1, catalytic subunit; plus strand). Cytogenetic location: 19q13.33.
Variant type: single nucleotide variant.
Coding change: c.3103G>C on transcript NM_002691.4 (MANE Select); coding-DNA position 3103, G replaced by C.
Protein change: p.Glu1035Gln; replaces glutamic acid 1035 with glutamine.
Molecular consequence: missense variant. On other transcripts: non-coding transcript variant (1).
Genome position (GRCh38, 1-based): chr19:50,417,080, G>C. VCF-style: chr19-50417080-G-C. GRCh37 (hg19) VCF-style: chr19-50920337-G-C.
Other names: c.3103G>C, p.Glu1035Gln (NM_001256849.1); c.3181G>C, p.Glu1061Gln (NM_001308632.1); c.3103G>C (NM_002691.2); short protein forms E1035Q, E1061Q.
Identifiers: ClinVar variation 246168 (VCV000246168.17), dbSNP rs879254134, ClinGen allele CA10584619.